The following is an entry in ClinVar:

NM_000152.5(GAA):c.1104C>G (p.Gly368=)

Gene: GAA (alpha glucosidase; plus strand). Cytogenetic location: 17q25.3.
Variant type: single nucleotide variant.
Coding change: c.1104C>G on transcript NM_000152.5 (MANE Select); coding-DNA position 1104, C replaced by G.
Protein change: p.Gly368=; no amino-acid change (glycine 368 retained).
Molecular consequence: synonymous variant.
Genome position (GRCh38, 1-based): chr17:80,108,517, C>G. VCF-style: chr17-80108517-C-G. GRCh37 (hg19) VCF-style: chr17-78082316-C-G.
Other names: c.1104C>G, p.Gly368= (NM_001079803.3, NM_001079804.3, NM_001406741.1 and 1 more transcripts).
Identifiers: ClinVar variation 3375443 (VCV003375443.1).
Genomic context (GRCh38, chr17:80,108,517, plus strand): 5'-CCCTCCCTCATGAAGTCGGCGTTGGCCTGCAGGATACCCGTTCATGCCGCCATACTGGGG[C>G]CTGGGCTTCCACCTGTGCCGCTGGGGCTACTCCTCCACCGCTATCACCCGCCAGGTGGTG-3'
Protein context (NP_000143.2, residues 358-378): VGYPFMPPYW[Gly368=]LGFHLCRWGY

ClinVar aggregate classification (germline): Likely benign (1 of 4 stars; one submission).

Submission:

Women's Health and Genetics/Laboratory Corporation of America, LabCorp
Classification: Likely benign. Last evaluated: 2024-09-17. Review status: criteria provided, single submitter. Criteria: LabCorp Variant Classification Summary - May 2015. Collection method: clinical testing. Allele origin: germline.
Comment: Variant summary: GAA c.1104C>G alters a conserved nucleotide resulting in a synonymous change. The variant was absent in 249162 control chromosomes. The available data on variant occurrences in the general population are insufficient to allow any conclusion about variant significance. To our knowledge, no occurrence of c.1104C>G in individuals affected with Glycogen Storage Disease, Type 2 (Pompe Disease) and no experimental evidence demonstrating its impact on protein function have been reported. No submitters have cited clinical-significance assessments for this variant to ClinVar. Based on the evidence outlined above, the variant was classified as likely benign.